The following is an entry in ClinVar:

NM_000439.5(PCSK1):c.2257A>C (p.Asn753His)

Genes: CAST (calpastatin; plus strand), PCSK1 (proprotein convertase subtilisin/kexin type 1; minus strand), LOC101929710 (uncharacterized LOC101929710; plus strand). Cytogenetic location: 5q15.
Variant type: single nucleotide variant.
Coding change: c.2257A>C on transcript NM_000439.5 (MANE Select); coding-DNA position 2257, A replaced by C.
Protein change: p.Asn753His; replaces asparagine 753 with histidine.
Molecular consequence: missense variant.
Genome position (GRCh38, 1-based): chr5:96,393,006, T>G on the plus strand (A>C on the coding strand, the complement: PCSK1 is on the minus strand). VCF-style: chr5-96393006-T-G. GRCh37 (hg19) VCF-style: chr5-95728710-T-G.
Other names: c.2257A>C (NM_000439.4); c.2116A>C, p.Asn706His (NM_001177875.2); short protein forms N706H, N753H.
Identifiers: ClinVar variation 1399925 (VCV001399925.7), dbSNP rs147016634, ClinGen allele CA3350027.

ClinVar aggregate classification (germline): Uncertain significance. Review status: criteria provided, multiple submitters, no conflicts (2 of 4 stars). 2 submissions from 2 submitters: Uncertain significance (2). Last evaluated 2026-03-04.

Conditions:
PCSK1-related disorder. Also called: PCSK1-related condition.

Allele frequency attached by ClinVar (database versions not stated): gnomAD exomes 0.00004 and 0.00010; ExAC 0.00013; 1000 Genomes Project 30x 0.00016; 1000 Genomes Project 0.00020; gnomAD 0.00040 and 0.00042; TOPMed 0.00045; ESP Exome Variant Server 0.00046.
gnomAD v4.1: 121 of 1,614,142 alleles (0.0075%); highest among the groups gnomAD compares: African/African-American, 0.14%; no homozygotes.

Submissions (2):

PreventionGenetics, part of Exact Sciences
Classification: Uncertain significance for PCSK1-related condition. Last evaluated: 2026-03-04. Review status: criteria provided, single submitter. Criteria: ACMG Guidelines, 2015. Collection method: clinical testing. Allele origin: germline.
Comment: The PCSK1 c.2257A>C variant is predicted to result in the amino acid substitution p.Asn753His. This variant was observed in a cohort of obese individuals, and in vitro functional studies showed inconclusive evidence of loss of function (Supplemental Data Set, Shah et al. 2023. PubMed ID: 36864747). This variant is reported in 0.14% of alleles in individuals of African descent in gnomAD. Although we suspect that this variant may be benign, at this time the clinical significance of this variant is uncertain due to the absence of conclusive functional and genetic evidence.

Labcorp Genetics (formerly Invitae), Labcorp
Classification: Uncertain significance. Last evaluated: 2021-11-06. Review status: criteria provided, single submitter. Criteria: Invitae Variant Classification Sherloc (09022015). Collection method: clinical testing. Allele origin: germline.
Comment: This sequence change replaces asparagine, which is neutral and polar, with histidine, which is basic and polar, at codon 753 of the PCSK1 protein (p.Asn753His). This variant is present in population databases (rs147016634, gnomAD 0.1%). This variant has not been reported in the literature in individuals affected with PCSK1-related conditions. Algorithms developed to predict the effect of missense changes on protein structure and function (SIFT, PolyPhen-2, Align-GVGD) all suggest that this variant is likely to be tolerated. In summary, the available evidence is currently insufficient to determine the role of this variant in disease. Therefore, it has been classified as a Variant of Uncertain Significance.